The following is an entry in ClinVar:

NM_006019.4(TCIRG1):c.624del (p.Pro208_Val209insTer)

Gene: TCIRG1 (T cell immune regulator 1, ATPase H+ transporting V0 subunit a3; plus strand). Cytogenetic location: 11q13.2.
Variant type: Deletion.
Coding change: c.624del on transcript NM_006019.4 (MANE Select); coding-DNA position 624, one base deleted (C; older notation c.624delC).
Protein change: p.Pro208_Val209insTer.
Molecular consequence: frameshift variant. On other transcripts: 5 prime UTR variant (2).
Genome position (GRCh38, 1-based): chr11:68,043,491, C deleted; the last of 4 consecutive C bases (chr11:68,043,488-68,043,491); deleting any one gives the same sequence. VCF-style (leftmost placement, unchanged base first): chr11-68043487-AC-A. GRCh37 (hg19) VCF-style: chr11-67810954-AC-A.
Other names: c.-287del (NM_001351059.2); c.-25del (NM_006053.4).
Identifiers: ClinVar variation 3721063 (VCV003721063.2).

ClinVar aggregate classification (germline): Pathogenic (1 of 4 stars; one submission).

Submission:

Labcorp Genetics (formerly Invitae), Labcorp
Classification: Pathogenic. Last evaluated: 2024-08-04. Review status: criteria provided, single submitter. Criteria: Invitae Variant Classification Sherloc (09022015). Collection method: clinical testing. Allele origin: germline.
Comment: This sequence change creates a premature translational stop signal (p.Val209*) in the TCIRG1 gene. It is expected to result in an absent or disrupted protein product. Loss-of-function variants in TCIRG1 are known to be pathogenic (PMID: 10888887, 10942435, 11532986, 19448635). The frequency data for this variant in the population databases is considered unreliable, as metrics indicate poor data quality at this position in the gnomAD database. This premature translational stop signal has been observed in individual(s) with osteopetrosis (PMID: 29237407). This variant is also known as p.P208PfsX1. For these reasons, this variant has been classified as Pathogenic.

Literature cited by the submitters: PubMed 10888887; PubMed 10942435; PubMed 11532986; PubMed 19448635; PubMed 29237407.